The following is an entry in ClinVar:

ClinVar aggregate classification (germline): Uncertain significance. Review status: criteria provided, multiple submitters, no conflicts (2 of 4 stars). 2 submissions from 2 submitters: Uncertain significance (2). Last evaluated 2026-05-03.

Conditions:
EP300-related disorder. Also called: EP300-related disorders; EP300-related condition.
Rubinstein-Taybi syndrome due to EP300 haploinsufficiency. Also called: EP300-Related Rubinstein-Taybi Syndrome; RUBINSTEIN-TAYBI SYNDROME 2. Identifiers: Orphanet 353284, Orphanet 783, MedGen C3150941, MONDO:0013364, OMIM 613684.

gnomAD v4.1: 10 of 1,614,088 alleles (0.00062%); highest among the groups gnomAD compares: Non-Finnish European, 0.00085%; no homozygotes.

Submissions (2):

PreventionGenetics, part of Exact Sciences
Classification: Uncertain significance for EP300-related condition. Last evaluated: 2026-05-03. Review status: criteria provided, single submitter. Criteria: ACMG Guidelines, 2015. Collection method: clinical testing. Allele origin: germline.
Comment: The EP300 c.1527G>C variant is predicted to result in the amino acid substitution p.Met509Ile. To our knowledge, this variant has not been reported in the literature. This variant is reported in 0.0018% of alleles in individuals of European (Non-Finnish) descent in gnomAD. At this time, the clinical significance of this variant is uncertain due to the absence of conclusive functional and genetic evidence.

Labcorp Genetics (formerly Invitae), Labcorp
Classification: Uncertain significance for Rubinstein-Taybi syndrome due to EP300 haploinsufficiency. Last evaluated: 2024-04-15. Review status: criteria provided, single submitter. Criteria: Invitae Variant Classification Sherloc (09022015). Collection method: clinical testing. Allele origin: germline.
Comment: This sequence change replaces methionine, which is neutral and non-polar, with isoleucine, which is neutral and non-polar, at codon 509 of the EP300 protein (p.Met509Ile). This variant is present in population databases (rs752280089, gnomAD 0.002%). This variant has not been reported in the literature in individuals affected with EP300-related conditions. Algorithms developed to predict the effect of missense changes on protein structure and function output the following: SIFT: "Not Available"; PolyPhen-2: "Not Available"; Align-GVGD: "Not Available". The isoleucine amino acid residue is found in multiple mammalian species, which suggests that this missense change does not adversely affect protein function. In summary, the available evidence is currently insufficient to determine the role of this variant in disease. Therefore, it has been classified as a Variant of Uncertain Significance.

NM_001429.4(EP300):c.1527G>C (p.Met509Ile)

Gene: EP300 (EP300 lysine acetyltransferase; plus strand). Cytogenetic location: 22q13.2.
Variant type: single nucleotide variant.
Coding change: c.1527G>C on transcript NM_001429.4 (MANE Select); coding-DNA position 1527, G replaced by C.
Protein change: p.Met509Ile; replaces methionine 509 with isoleucine.
Molecular consequence: missense variant.
Genome position (GRCh38, 1-based): chr22:41,131,632, G>C. VCF-style: chr22-41131632-G-C. GRCh37 (hg19) VCF-style: chr22-41527636-G-C.
Other names: c.1527G>C, p.Met509Ile (NM_001362843.2); c.1527G>C (NM_001429.3); short protein forms M509I.
Identifiers: ClinVar variation 3604845 (VCV003604845.3).